The following is an entry in ClinVar:

ClinVar aggregate classification (germline): Likely benign. Review status: criteria provided, multiple submitters, no conflicts (2 of 4 stars). 2 submissions from 2 submitters: Likely benign (2). Last evaluated 2023-11-09.

Conditions:
Cardiovascular phenotype. Identifiers: MedGen CN230736.
Catecholaminergic polymorphic ventricular tachycardia (CVPT). Also called: Catecholamine-induced polymorphic ventricular tachycardia. Identifiers: Orphanet 3286, MedGen C5574922, MONDO:0017990.

Submissions (2):

Ambry Genetics
Classification: Likely benign for Cardiovascular phenotype. Last evaluated: 2023-11-09. Review status: criteria provided, single submitter. Criteria: Ambry Variant Classification Scheme 2023. Collection method: clinical testing. Allele origin: germline.

All of Us Research Program, National Institutes of Health
Classification: Likely benign for Catecholaminergic polymorphic ventricular tachycardia. Last evaluated: 2023-07-10. Review status: criteria provided, single submitter. Criteria: ACMG Guidelines, 2015. Collection method: clinical testing. Allele origin: germline. Inheritance: Autosomal dominant inheritance. Observed: 1 variant allele, 1 heterozygote.
Comment: This study involves interpretation of variants in research participants for the purpose of population health screening. Participant phenotype was not available at the time of variant classification. Additional details can be found in publication PMID: 35346344, PMCID: PMC8962531

NM_001035.3(RYR2):c.4491G>A (p.Gly1497=)

Gene: RYR2 (ryanodine receptor 2; plus strand). Cytogenetic location: 1q43.
Variant type: single nucleotide variant.
Coding change: c.4491G>A on transcript NM_001035.3 (MANE Select); coding-DNA position 4491, G replaced by A.
Protein change: p.Gly1497=; no amino-acid change (glycine 1497 retained).
Molecular consequence: synonymous variant.
Genome position (GRCh38, 1-based): chr1:237,595,552, G>A. VCF-style: chr1-237595552-G-A. GRCh37 (hg19) VCF-style: chr1-237758852-G-A.
Other names: c.4491G>A (NM_001035.2).
Identifiers: ClinVar variation 3072438 (VCV003072438.2), dbSNP rs2148474772, ClinGen allele CA423820347.